The following is an entry in ClinVar:

ClinVar aggregate classification (germline): not provided (0 of 4 stars; one submission).

Allele frequency attached by ClinVar (database versions not stated): gnomAD 0.00006 and 0.00007; TOPMed 0.00009; 1000 Genomes Project 30x 0.00016.
gnomAD v4.1: 62 of 1,265,582 alleles (0.0049%); highest among the groups gnomAD compares: East Asian, 0.11%; no homozygotes.

Submission:

Human Evolutionary Genetics, Institut Pasteur
No classification provided. Review status: no classification provided. Collection method: not provided. Allele origin: germline.
ClinVar note: Converted during submission from untested to not provided.

NM_001276700.2(NLRP6):c.30-20C>G

Gene: NLRP6 (NLR family pyrin domain containing 6; plus strand). Cytogenetic location: 11p15.5.
Variant type: single nucleotide variant.
Coding change: c.30-20C>G on transcript NM_001276700.2 (MANE Select); 20 bases into the intron before coding-DNA position 30, C replaced by G.
Molecular consequence: intron variant.
Genome position (GRCh38, 1-based): chr11:279,307, C>G. VCF-style: chr11-279307-C-G. GRCh37 (hg19) VCF-style: chr11-279307-C-G.
Other names: c.30-20C>G (NM_138329.2).
Identifiers: ClinVar variation 103247 (VCV000103247.2), dbSNP rs199475794, ClinGen allele CA230313.
Genomic context (GRCh38, chr11:279,307, plus strand): 5'-GTTCTCCGGCGCCAGAGTCGGGGGCGGGCGGGGGTCACCCGAGGGCCGCTCCCCGATGAC[C>G]CGCGCCCGCCCGCCTCCAGCACGGGGCCGCGCCTCGCGGTGGCCCGCGAGCTGCTCCTGG-3'